The following is an entry in ClinVar:

ClinVar aggregate classification (germline): Uncertain significance (1 of 4 stars; one submission).

Conditions:
Autosomal recessive ataxia, Beauce type. Also called: SYNE1-Related Autosomal Recessive Cerebellar Ataxia; SYNE1 Deficiency; Spinocerebellar ataxia, autosomal recessive 8; ATAXIA, RECESSIVE, OF BEAUCE. Identifiers: Orphanet 88644, MedGen C1853116, MONDO:0012549, OMIM 610743.
Emery-Dreifuss muscular dystrophy 4, autosomal dominant (EDMD4). Also called: EMERY-DREIFUSS MUSCULAR DYSTROPHY 4 WITH VARIABLE FEATURES. Identifiers: Orphanet 261, MedGen C2751807, MONDO:0013071, OMIM 612998.

Allele frequency attached by ClinVar (database versions not stated): gnomAD exomes below 0.00001; TOPMed below 0.00001.
gnomAD v4.1: 1 of 1,614,010 alleles (0.000062%); highest among the groups gnomAD compares: Admixed American, 0.0017%; no homozygotes.

Submission:

Labcorp Genetics (formerly Invitae), Labcorp
Classification: Uncertain significance for Emery-Dreifuss muscular dystrophy 4, autosomal dominant; Autosomal recessive ataxia, Beauce type. Last evaluated: 2020-11-12. Review status: criteria provided, single submitter. Criteria: Invitae Variant Classification Sherloc (09022015). Collection method: clinical testing. Allele origin: germline.
Comment: This variant is not present in population databases (ExAC no frequency). This variant has not been reported in the literature in individuals with SYNE1-related conditions. Algorithms developed to predict the effect of missense changes on protein structure and function (SIFT, PolyPhen-2, Align-GVGD) all suggest that this variant is likely to be disruptive, but these predictions have not been confirmed by published functional studies and their clinical significance is uncertain. In summary, the available evidence is currently insufficient to determine the role of this variant in disease. Therefore, it has been classified as a Variant of Uncertain Significance. This sequence change replaces glutamic acid with lysine at codon 4063 of the SYNE1 protein (p.Glu4063Lys). The glutamic acid residue is highly conserved and there is a small physicochemical difference between glutamic acid and lysine.

NM_182961.4(SYNE1):c.12400G>A (p.Glu4134Lys)

Gene: SYNE1 (spectrin repeat containing nuclear envelope protein 1; minus strand). Cytogenetic location: 6q25.2.
Variant type: single nucleotide variant.
Coding change: c.12400G>A on transcript NM_182961.4 (MANE Select); coding-DNA position 12400, G replaced by A.
Protein change: p.Glu4134Lys; replaces glutamic acid 4134 with lysine.
Molecular consequence: missense variant.
Genome position (GRCh38, 1-based): chr6:152,336,969, C>T on the plus strand (G>A on the coding strand, the complement: SYNE1 is on the minus strand). VCF-style: chr6-152336969-C-T. GRCh37 (hg19) VCF-style: chr6-152658104-C-T.
Other names: c.12187G>A, p.Glu4063Lys (NM_033071.5); short protein forms E4134K, E4063K.
Identifiers: ClinVar variation 1346614 (VCV001346614.8), dbSNP rs898572784, ClinGen allele CA150183766.
Genomic context (GRCh38, chr6:152,336,969, plus strand): 5'-GCAGTTGCTGATCAGCATCTTGCAGGTAAATCCAGAGCTCAGACTTCAGGTGCTTGATCT[C>T]TTCCCAGCCCTGAGTTAAGTTCTGGGCCTGGACAAGCTTTTGTTCAATCTTGAGAAAACA-3'
Protein context (NP_892006.3, residues 4124-4144): QAQNLTQGWE[Glu4134Lys]IKHLKSELWI